The following is an entry in ClinVar:

NM_018668.5(VPS33B):c.30T>G (p.Pro10=)

Gene: VPS33B (VPS33B late endosome and lysosome associated; minus strand). Cytogenetic location: 15q26.1.
Variant type: single nucleotide variant.
Coding change: c.30T>G on transcript NM_018668.5 (MANE Select); coding-DNA position 30, T replaced by G.
Protein change: p.Pro10=; no amino-acid change (proline 10 retained).
Molecular consequence: synonymous variant. On other transcripts: 5 prime UTR variant (1).
Genome position (GRCh38, 1-based): chr15:91,022,220, A>C on the plus strand (T>G on the coding strand, the complement: VPS33B is on the minus strand). VCF-style: chr15-91022220-A-C. GRCh37 (hg19) VCF-style: chr15-91565450-A-C.
Other names: c.30T>G, p.Pro10= (NM_001289148.1); c.-182T>G (NM_001289149.1).
Identifiers: ClinVar variation 3029603 (VCV003029603.2), dbSNP rs2544283823, ClinGen allele CA492173678.
Genomic context (GRCh38, chr15:91,022,220, plus strand): 5'-CAGCAGATAGATGAGCTGGTCTCGAGCCAGCCTCTTCAGCATGGAGAAGTCAGGCAGCTC[A>C]GGGGCGTCCGGCCGATGGGGAAAAGCCATGGCAGCGGTCACCTGCGCCGCGGGGTGGAAG-3'
Protein context (NP_061138.3, residues 1-20): MAFPHRPDA[Pro10=]ELPDFSMLKR

ClinVar aggregate classification (germline): Likely benign (0 of 4 stars; one submission).

Conditions:
VPS33B-related disorder. Also called: VPS33B-related condition.

Submission:

PreventionGenetics, part of Exact Sciences
Classification: Likely benign for VPS33B-related condition. Last evaluated: 2021-05-13. Review status: no assertion criteria provided. Collection method: clinical testing. Allele origin: germline.
Comment: This variant is classified as likely benign based on ACMG/AMP sequence variant interpretation guidelines (Richards et al. 2015 PMID: 25741868, with internal and published modifications).